The following is an entry in ClinVar:

NM_020975.6(RET):c.3158C>T (p.Pro1053Leu)

Gene: RET (ret proto-oncogene; plus strand). Cytogenetic location: 10q11.21.
Variant type: single nucleotide variant.
Coding change: c.3158C>T on transcript NM_020975.6 (MANE Select); coding-DNA position 3158, C replaced by T.
Protein change: p.Pro1053Leu; replaces proline 1053 with leucine.
Molecular consequence: missense variant.
Genome position (GRCh38, 1-based): chr10:43,126,693, C>T. VCF-style: chr10-43126693-C-T. GRCh37 (hg19) VCF-style: chr10-43622141-C-T.
Other names: c.3158C>T, p.Pro1053Leu (NM_000323.2, NM_001406743.1, NM_001406744.1 and 2 more transcripts); c.2396C>T, p.Pro799Leu (NM_001355216.2); c.3029C>T, p.Pro1010Leu (NM_001406761.1, NM_001406762.1, NM_001406764.1); c.3023C>T, p.Pro1008Leu (NM_001406763.1, NM_001406765.1); c.2870C>T, p.Pro957Leu (NM_001406766.1, NM_001406767.1, NM_001406770.1); c.2894C>T, p.Pro965Leu (NM_001406768.1); c.2762C>T, p.Pro921Leu (NM_001406769.1, NM_001406772.1); c.2720C>T, p.Pro907Leu (NM_001406771.1, NM_001406773.1); and 10 more; short protein forms P1053L, P723L, P754L, P811L, P907L, P921L, P1010L, P618L.
Identifiers: ClinVar variation 1728252 (VCV001728252.8), dbSNP rs1838339827, ClinGen allele CA376558506.

ClinVar aggregate classification (germline): Uncertain significance. Review status: criteria provided, multiple submitters, no conflicts (2 of 4 stars). 2 submissions from 2 submitters: Uncertain significance (2). Last evaluated 2025-03-20.

Conditions:
Hereditary cancer-predisposing syndrome. Also called: Tumor predisposition; Neoplastic Syndromes, Hereditary; Hereditary Cancer Syndrome; Hereditary neoplastic syndrome. Identifiers: Orphanet 140162, MedGen C0027672, MeSH D009386, MONDO:0015356.
Multiple endocrine neoplasia, type 2 (MEN2). Identifiers: Orphanet 653, MedGen C4048306, MONDO:0019003. Disease mechanism: gain of function.

Allele frequency attached by ClinVar (database versions not stated): gnomAD exomes below 0.00001.
gnomAD v4.1: 3 of 1,614,110 alleles (0.00019%); highest among the groups gnomAD compares: Non-Finnish European, 0.00025%; no homozygotes.

Submissions (2):

Ambry Genetics
Classification: Uncertain significance for Hereditary cancer-predisposing syndrome. Last evaluated: 2025-03-20. Review status: criteria provided, single submitter. Criteria: Ambry Variant Classification Scheme 2023. Collection method: clinical testing. Allele origin: germline.
Comment: The p.P1053L variant (also known as c.3158C>T), located in coding exon 19 of the RET gene, results from a C to T substitution at nucleotide position 3158. The proline at codon 1053 is replaced by leucine, an amino acid with similar properties. This amino acid position is highly conserved in available vertebrate species. In addition, this alteration is predicted to be deleterious by in silico analysis. Based on the available evidence, the clinical significance of this variant remains unclear.

Labcorp Genetics (formerly Invitae), Labcorp
Classification: Uncertain significance for Multiple endocrine neoplasia, type 2. Last evaluated: 2022-09-15. Review status: criteria provided, single submitter. Criteria: Invitae Variant Classification Sherloc (09022015). Collection method: clinical testing. Allele origin: germline.
Comment: This sequence change replaces proline, which is neutral and non-polar, with leucine, which is neutral and non-polar, at codon 1053 of the RET protein (p.Pro1053Leu). This variant is not present in population databases (gnomAD no frequency). This variant has not been reported in the literature in individuals affected with RET-related conditions. Algorithms developed to predict the effect of missense changes on protein structure and function are either unavailable or do not agree on the potential impact of this missense change (SIFT: "Deleterious"; PolyPhen-2: "Probably Damaging"; Align-GVGD: "Class C0"). In summary, the available evidence is currently insufficient to determine the role of this variant in disease. Therefore, it has been classified as a Variant of Uncertain Significance.